The following is an entry in ClinVar:

ClinVar aggregate classification (germline): Uncertain significance (1 of 4 stars; one submission).

Allele frequency attached by ClinVar (database versions not stated): gnomAD exomes below 0.00001.
gnomAD v4.1: 1 of 1,613,938 alleles (0.000062%); highest among the groups gnomAD compares: South Asian, 0.0011%; no homozygotes.

Submission:

Labcorp Genetics (formerly Invitae), Labcorp
Classification: Uncertain significance. Last evaluated: 2024-02-26. Review status: criteria provided, single submitter. Criteria: Invitae Variant Classification Sherloc (09022015). Collection method: clinical testing. Allele origin: germline.
Comment: This sequence change replaces serine, which is neutral and polar, with glycine, which is neutral and non-polar, at codon 108 of the MOCS2B protein (p.Ser108Gly). This variant is not present in population databases (gnomAD no frequency). This variant has not been reported in the literature in individuals affected with MOCS2B-related conditions. ClinVar contains an entry for this variant (Variation ID: 1994018). Algorithms developed to predict the effect of missense changes on protein structure and function output the following: SIFT: "Not Available"; PolyPhen-2: "Benign"; Align-GVGD: "Not Available". The glycine amino acid residue is found in multiple mammalian species, which suggests that this missense change does not adversely affect protein function. In summary, the available evidence is currently insufficient to determine the role of this variant in disease. Therefore, it has been classified as a Variant of Uncertain Significance.

NM_004531.5(MOCS2):c.322A>G (p.Ser108Gly)

Gene: MOCS2 (molybdenum cofactor synthesis 2; minus strand). Cytogenetic location: 5q11.2.
Variant type: single nucleotide variant.
Coding change: c.322A>G on transcript NM_004531.5 (MANE Select); coding-DNA position 322, A replaced by G.
Protein change: p.Ser108Gly; replaces serine 108 with glycine.
Molecular consequence: missense variant. On other transcripts: 3 prime UTR variant (1).
Genome position (GRCh38, 1-based): chr5:53,101,414, T>C on the plus strand (A>G on the coding strand, the complement: MOCS2 is on the minus strand). VCF-style: chr5-53101414-T-C. GRCh37 (hg19) VCF-style: chr5-52397244-T-C.
Other names: c.*242A>G (NM_176806.4); c.322A>G, p.Ser108Gly (NM_183418.1); short protein forms S108G.
Identifiers: ClinVar variation 1994018 (VCV001994018.4), dbSNP rs2478598551, ClinGen allele CA359693099.